The following is an entry in ClinVar:

NM_000137.4(FAH):c.1180+10G>A

Gene: FAH (fumarylacetoacetate hydrolase; plus strand). Cytogenetic location: 15q25.1.
Variant type: single nucleotide variant.
Coding change: c.1180+10G>A on transcript NM_000137.4 (MANE Select); 10 bases into the intron after coding-DNA position 1180, G replaced by A.
Molecular consequence: intron variant.
Genome position (GRCh38, 1-based): chr15:80,181,169, G>A. VCF-style: chr15-80181169-G-A. GRCh37 (hg19) VCF-style: chr15-80473511-G-A.
Other names: c.1180+10G>A (NM_001374377.1, NM_001374380.1).
Identifiers: ClinVar variation 886342 (VCV000886342.14), dbSNP rs758464032, ClinGen allele CA7691504.

ClinVar aggregate classification (germline): Conflicting classifications of pathogenicity. Review status: criteria provided, conflicting classifications (1 of 4 stars). 3 submissions from 3 submitters: Uncertain significance (1); Likely benign (2). Last evaluated 2025-12-22.

Conditions:
Tyrosinemia type I (TYRSN1). Also called: HEPATORENAL TYROSINEMIA; Deficiency of fumarylacetoacetase; Tyrosinemia type 1; Fumarylacetoacetase deficiency; FAH DEFICIENCY. Identifiers: Orphanet 882, MedGen C0268490, MONDO:0010161, OMIM 276700. Disease mechanism: loss of function.
FAH-related disorder. Also called: FAH-related condition.

Allele frequency attached by ClinVar (database versions not stated): ExAC 0.00001; gnomAD 0.00001; gnomAD exomes 0.00001; TOPMed 0.00001.
gnomAD v4.1: 10 of 1,570,770 alleles (0.00064%); highest among the groups gnomAD compares: Admixed American, 0.013%; no homozygotes.

Submissions (3):

Labcorp Genetics (formerly Invitae), Labcorp
Classification: Likely benign for Tyrosinemia type I. Last evaluated: 2025-12-22. Review status: criteria provided, single submitter. Criteria: Invitae Variant Classification Sherloc (09022015). Collection method: clinical testing. Allele origin: germline.

PreventionGenetics, part of Exact Sciences
Classification: Likely benign for FAH-related condition. Last evaluated: 2025-09-10. Review status: criteria provided, single submitter. Criteria: ACMG Guidelines, 2015. Collection method: clinical testing. Allele origin: germline.
Comment: This variant is classified as likely benign based on ACMG/AMP sequence variant interpretation guidelines (Richards et al. 2015 PMID: 25741868, with internal and published modifications).

Illumina Laboratory Services, Illumina
Classification: Uncertain significance for Tyrosinemia type I. Last evaluated: 2018-01-13. Review status: criteria provided, single submitter. Criteria: ICSL Variant Classification Criteria 13 December 2019. Collection method: clinical testing. Allele origin: germline.